The following is an entry in ClinVar:

NM_004715.5(CTDP1):c.315-4G>A

Gene: CTDP1 (CTD phosphatase subunit 1; plus strand). Cytogenetic location: 18q23.
Variant type: single nucleotide variant.
Coding change: c.315-4G>A on transcript NM_004715.5 (MANE Select); 4 bases into the intron before coding-DNA position 315, G replaced by A.
Molecular consequence: intron variant.
Genome position (GRCh38, 1-based): chr18:79,695,221, G>A. VCF-style: chr18-79695221-G-A. GRCh37 (hg19) VCF-style: chr18-77455221-G-A.
Other names: p.?; c.315-4G>A (NM_004715.4, NM_001318511.2, NM_048368.4); c.-43-4G>A (NM_001202504.1).
Identifiers: ClinVar variation 2186700 (VCV002186700.6), dbSNP rs117517519, ClinGen allele CA9009909.

ClinVar aggregate classification (germline): Benign/Likely benign. Review status: criteria provided, multiple submitters, no conflicts (2 of 4 stars). 3 submissions from 3 submitters: Benign (2); Likely benign (1). Last evaluated 2025-11-25.

Allele frequency attached by ClinVar (database versions not stated): gnomAD 0.00016; ExAC 0.00019; TOPMed 0.00019; 1000 Genomes Project 30x 0.00062; 1000 Genomes Project 0.00080.
gnomAD v4.1: 303 of 1,613,988 alleles (0.019%); highest among the groups gnomAD compares: East Asian, 0.59%; 3 homozygotes.

Submissions (3):

Labcorp Genetics (formerly Invitae), Labcorp
Classification: Benign. Last evaluated: 2025-11-25. Review status: criteria provided, single submitter. Criteria: Invitae Variant Classification Sherloc (09022015). Collection method: clinical testing. Allele origin: germline.

Mayo Clinic Laboratories, Mayo Clinic
Classification: Likely benign. Last evaluated: 2025-10-19. Review status: criteria provided, single submitter. Criteria: ACMG Guidelines, 2015. Collection method: clinical testing. Allele origin: germline. Observed: 1 variant allele.
Comment: BP4, BP7

Breakthrough Genomics
Classification: Benign. Review status: criteria provided, single submitter. Criteria: ACMG Guidelines, 2015. Collection method: not provided. Allele origin: germline. Inheritance: Autosomal recessive inheritance. Affected: yes.